The following is an entry in ClinVar:

NM_001001957.2(OR2W3):c.929_930del (p.Glu310fs)

Gene: OR2W3 (olfactory receptor family 2 subfamily W member 3; plus strand). Cytogenetic location: 1q44.
Variant type: Microsatellite.
Coding change: c.929_930del on transcript NM_001001957.2 (MANE Select); coding-DNA positions 929 to 930, 2 bases deleted (AG; older notation c.929_930delAG).
Protein change: p.Glu310fs; shifts the reading frame from glutamic acid 310.
Molecular consequence: frameshift variant.
Genome position (GRCh38, 1-based): chr1:247,896,515-247,896,516, AG deleted; deleting any 2 consecutive bases within chr1:247,896,509-247,896,516 gives the same sequence; the c. name uses the placement nearest the transcript's 3' end. VCF-style (leftmost placement, unchanged base first): chr1-247896508-AAG-A. GRCh37 (hg19) VCF-style: chr1-248059810-AAG-A.
Other names: short protein forms E310fs.
Identifiers: ClinVar variation 1938582 (VCV001938582.5), dbSNP rs1193364834, ClinGen allele CA530382086.
Genomic context (GRCh38, chr1:247,896,508, plus strand): 5'-CTCATCTACACCCTCAGAAACAGAGAGGTGAAGGGGGCACTGGGAAGGTTGCTTCTGGGG[AAG>A]AGAGAGCTAGGAAAGGAGTAAAGGCATCTCCACCTGACTTCACTTCCATCCAGGGCCACT-3'

ClinVar aggregate classification (germline): Uncertain significance (1 of 4 stars; one submission).

Submission:

Labcorp Genetics (formerly Invitae), Labcorp
Classification: Uncertain significance. Last evaluated: 2022-10-17. Review status: criteria provided, single submitter. Criteria: Invitae Variant Classification Sherloc (09022015). Collection method: clinical testing. Allele origin: germline.
Comment: In summary, the available evidence is currently insufficient to determine the role of this variant in disease. Therefore, it has been classified as a Variant of Uncertain Significance. This sequence change creates a premature translational stop signal (p.Glu310Alafs*) in the OR2W3 gene. While this is not anticipated to result in nonsense mediated decay, it is expected to disrupt the last 5 amino acid(s) of the OR2W3 protein. This variant is present in population databases (no rsID available, gnomAD 0.003%). This variant has not been reported in the literature in individuals affected with OR2W3-related conditions. Experimental studies and prediction algorithms are not available or were not evaluated, and the functional significance of this variant is currently unknown.